The following is an entry in ClinVar:

NM_002471.4(MYH6):c.1163T>A (p.Leu388His)

Gene: MYH6 (myosin heavy chain 6; minus strand). Cytogenetic location: 14q11.2.
Variant type: single nucleotide variant.
Coding change: c.1163T>A on transcript NM_002471.4 (MANE Select); coding-DNA position 1163, T replaced by A.
Protein change: p.Leu388His; replaces leucine 388 with histidine.
Molecular consequence: missense variant.
Genome position (GRCh38, 1-based): chr14:23,400,956, A>T on the plus strand (T>A on the coding strand, the complement: MYH6 is on the minus strand). VCF-style: chr14-23400956-A-T. GRCh37 (hg19) VCF-style: chr14-23870165-A-T.
Other names: short protein forms L388H.
Identifiers: ClinVar variation 1804265 (VCV001804265.1), dbSNP rs2502193723, ClinGen allele CA389024630.
Genomic context (GRCh38, chr14:23,400,956, plus strand): 5'-CCCACTTTCACCCGAGGGTGGCACAGCCCCTTGAGCAGGTCAGCTGAGTTCAGCCCCATG[A>T]GGTAGGCCGACTTGTCAGCATCTGGTTGAGAGGGAAAGGATAAGTGAGCACTTCCTTTTT-3'
Protein context (NP_002462.2, residues 378-398): GTEDADKSAY[Leu388His]MGLNSADLLK

ClinVar aggregate classification (germline): Uncertain significance (1 of 4 stars; one submission).

Submission:

GeneDx
Classification: Uncertain significance. Last evaluated: 2022-12-14. Review status: criteria provided, single submitter. Criteria: GeneDx Variant Classification Process June 2021. Collection method: clinical testing. Allele origin: germline. Affected: yes.
Comment: Not observed at significant frequency in large population cohorts (gnomAD); In silico analysis supports that this missense variant has a deleterious effect on protein structure/function; Has not been previously published as pathogenic or benign to our knowledge